The following is an entry in ClinVar:

ClinVar aggregate classification (germline): Pathogenic (1 of 4 stars; one submission).

Conditions:
Polycystic kidney disease, adult type (PKD1). Also called: Polycystic Kidney Disease 1, Autosomal Dominant; Polycystic kidney disease 1; Polycystic kidney disease 1, severe; Polycystic Kidney, Autosomal Dominant; POLYCYSTIC KIDNEY DISEASE 1 WITH OR WITHOUT POLYCYSTIC LIVER DISEASE; POLYCYSTIC KIDNEY DISEASE, ADULT, TYPE I. Identifiers: MedGen C3149841, MONDO:0008263, OMIM 173900.

Submission:

3billion
Classification: Pathogenic for Polycystic kidney disease, adult type. Last evaluated: 2025-08-21. Review status: criteria provided, single submitter. Criteria: ACMG Guidelines, 2015. Collection method: clinical testing. Allele origin: germline. Affected: yes.
Comment: The variant is not observed in the gnomAD v4.1.0 dataset. Predicted Consequence/Location: Frameshift: predicted to result in a loss or disruption of normal protein function through nonsense-mediated decay (NMD) or protein truncation. Multiple pathogenic variants are reported downstream of the variant. The variant has been reported to be associated with PKD1-related disorder (ClinVar ID: VCV001705630 /PMID: 31740684 /3billion dataset). Therefore, this variant is classified as Pathogenic according to the recommendation of ACMG/AMP guideline.

Literature cited by the submitters: PubMed 31740684.

NM_001009944.3(PKD1):c.2784_2796del (p.Glu929fs)

Gene: PKD1 (polycystin 1, transient receptor potential channel interacting; minus strand). Cytogenetic location: 16p13.3.
Variant type: Deletion.
Coding change: c.2784_2796del on transcript NM_001009944.3 (MANE Select); coding-DNA positions 2784 to 2796, 13 bases deleted (GGAGGAGCCCATC).
Protein change: p.Glu929fs; shifts the reading frame from glutamic acid 929.
Molecular consequence: frameshift variant.
Genome position (GRCh38, 1-based): chr16:2,114,227-2,114,239, GATGGGCTCCTCC deleted on the plus strand (GGAGGAGCCCATC on the coding strand, the reverse complement: PKD1 is on the minus strand); deleting any 13 consecutive bases within chr16:2,114,227-2,114,240 gives the same sequence; the c. name uses the placement nearest the transcript's 3' end. VCF-style (leftmost placement, unchanged base first): chr16-2114226-AGATGGGCTCCTCC-A. GRCh37 (hg19) VCF-style: chr16-2164227-AGATGGGCTCCTCC-A.
Other names: c.2784_2796del, p.Glu929fs (NM_000296.4); short protein forms E929fs.
Identifiers: ClinVar variation 1705630 (VCV001705630.2), dbSNP rs2544851545, ClinGen allele CA2580091007.
Genomic context (GRCh38, chr16:2,114,226, plus strand): 5'-TCACCACTAGGACTCCCTGCAGTACACGGGCCTCGGGGCTGGGCGTGGCGCGGAGGCCAC[AGATGGGCTCCTCC>A]GCCGTCACCCGCAGGCTGAGGTTGGCCCGGCTGGCGCTGTTTTCCACCACCACGTCCACC-3'